The following is an entry in ClinVar:

ClinVar aggregate classification (germline): Uncertain significance (1 of 4 stars; one submission).

gnomAD v4.1: 1 of 1,614,134 alleles (0.000062%); highest among the groups gnomAD compares: Non-Finnish European, 0.000085%; no homozygotes.

Submission:

Labcorp Genetics (formerly Invitae), Labcorp
Classification: Uncertain significance. Last evaluated: 2024-04-22. Review status: criteria provided, single submitter. Criteria: Invitae Variant Classification Sherloc (09022015). Collection method: clinical testing. Allele origin: germline.
Comment: This sequence change replaces proline, which is neutral and non-polar, with arginine, which is basic and polar, at codon 256 of the ACACA protein (p.Pro256Arg). This variant is not present in population databases (gnomAD no frequency). This variant has not been reported in the literature in individuals affected with ACACA-related conditions. An algorithm developed to predict the effect of missense changes on protein structure and function (PolyPhen-2) suggests that this variant is likely to be disruptive. In summary, the available evidence is currently insufficient to determine the role of this variant in disease. Therefore, it has been classified as a Variant of Uncertain Significance.

NM_198834.3(ACACA):c.878C>G (p.Pro293Arg)

Gene: ACACA (acetyl-CoA carboxylase alpha; minus strand). Cytogenetic location: 17q12.
Variant type: single nucleotide variant.
Coding change: c.878C>G on transcript NM_198834.3 (MANE Select); coding-DNA position 878, C replaced by G.
Protein change: p.Pro293Arg; replaces proline 293 with arginine.
Molecular consequence: missense variant.
Genome position (GRCh38, 1-based): chr17:37,275,974, G>C on the plus strand (C>G on the coding strand, the complement: ACACA is on the minus strand). VCF-style: chr17-37275974-G-C. GRCh37 (hg19) VCF-style: chr17-35632867-G-C.
Other names: c.767C>G, p.Pro256Arg (NM_198836.3, NM_198839.3); c.593C>G, p.Pro198Arg (NM_198837.2); c.533C>G, p.Pro178Arg (NM_198838.2); short protein forms P198R, P293R, P256R, P178R.
Identifiers: ClinVar variation 3668407 (VCV003668407.2).